The following is an entry in ClinVar:

ClinVar aggregate classification (germline): Benign. Review status: criteria provided, multiple submitters, no conflicts (2 of 4 stars). 13 submissions from 12 submitters: Benign (9). 4 of the submissions do not count toward it. Last evaluated 2026-05-08.

Conditions:
Type 2 collagenopathy. Identifiers: Orphanet 93421, MedGen C2931073, MONDO:0022800.
Stickler syndrome type 1 (STL1). Also called: STICKLER SYNDROME, MEMBRANOUS VITREOUS TYPE; STICKLER SYNDROME, VITREOUS TYPE 1; ARTHROOPHTHALMOPATHY, HEREDITARY PROGRESSIVE; COL2A1-Related Stickler Syndrome. Identifiers: Orphanet 828, Orphanet 90653, MedGen C2020284, MONDO:0007160, OMIM 108300.

Allele frequency attached by ClinVar (database versions not stated): 1000 Genomes Project 30x 0.15740; 1000 Genomes Project 0.16074; TOPMed 0.24138; gnomAD 0.25515 and 0.25696; ESP Exome Variant Server 0.26765; gnomAD exomes 0.29141 and 0.34103; ExAC 0.29345.
gnomAD v4.1: 533,074 of 1,606,170 alleles (33%); highest among the groups gnomAD compares: Non-Finnish European, 37%; 95,544 homozygotes.

Submissions (13):

Women's Health and Genetics/Laboratory Corporation of America, LabCorp
Classification: Benign. Last evaluated: 2026-05-08. Review status: criteria provided, single submitter. Criteria: LabCorp Variant Classification Summary - May 2015. Collection method: clinical testing. Allele origin: germline.

Labcorp Genetics (formerly Invitae), Labcorp
Classification: Benign. Last evaluated: 2026-02-04. Review status: criteria provided, single submitter. Criteria: Invitae Variant Classification Sherloc (09022015). Collection method: clinical testing. Allele origin: germline.

Blueprint Genetics
Classification: Benign. Last evaluated: 2024-11-27. Review status: criteria provided, single submitter. Criteria: ACMG Guidelines, 2015. Collection method: clinical testing. Allele origin: germline.

Mayo Clinic Laboratories, Mayo Clinic
Classification: Benign. Last evaluated: 2021-04-07. Review status: criteria provided, single submitter. Criteria: ACMG Guidelines, 2015. Collection method: clinical testing. Allele origin: germline. Observed: 1 variant allele.

Illumina Laboratory Services, Illumina
Classification: Benign for Stickler syndrome type 1. Last evaluated: 2018-01-13. Review status: criteria provided, single submitter. Criteria: ICSL Variant Classification Criteria 13 December 2019. Collection method: clinical testing. Allele origin: germline.
Comment: This variant was observed in the ICSL laboratory as part of a predisposition screen in an ostensibly healthy population. It had not been previously curated by ICSL or reported in the Human Gene Mutation Database (HGMD: prior to June 1st, 2018), and was therefore a candidate for classification through an automated scoring system. Utilizing variant allele frequency, disease prevalence and penetrance estimates, and inheritance mode, an automated score was calculated to assess if this variant is too frequent to cause the disease. Based on the score and internal cut-off values, a variant classified as benign is not then subjected to further curation. The score for this variant resulted in a classification of benign for this disease.

Illumina Laboratory Services, Illumina
Classification: Benign for Type II Collagenopathies. Last evaluated: 2018-01-13. Review status: criteria provided, single submitter. Criteria: ICSL Variant Classification Criteria 13 December 2019. Collection method: clinical testing. Allele origin: germline.
Comment: the same text as in the submission from Illumina Laboratory Services, Illumina above.

GeneDx
Classification: Benign. Last evaluated: 2016-03-03. Review status: criteria provided, single submitter. Criteria: GeneDx Variant Classification (06012015). Collection method: clinical testing. Allele origin: germline. Affected: yes.
Comment: This variant is considered likely benign or benign based on one or more of the following criteria: it is a conservative change, it occurs at a poorly conserved position in the protein, it is predicted to be benign by multiple in silico algorithms, and/or has population frequency not consistent with disease.

Breakthrough Genomics
Classification: Benign. Review status: criteria provided, single submitter. Criteria: ACMG Guidelines, 2015. Collection method: not provided. Allele origin: germline. Inheritance: Autosomal dominant inheritance. Affected: yes.

PreventionGenetics, part of Exact Sciences
Classification: Benign. Review status: criteria provided, single submitter. Criteria: ACMG Guidelines, 2015. Collection method: clinical testing. Allele origin: germline.

Clinical Genetics DNA and cytogenetics Diagnostics Lab, Erasmus MC, Erasmus Medical Center
Classification: Benign. Review status: no assertion criteria provided. Collection method: clinical testing. Allele origin: germline. Affected: yes. Study: VKGL Data-share Consensus. Not counted in ClinVar's aggregate classification.

Diagnostic Laboratory, Department of Genetics, University Medical Center Groningen
Classification: Benign. Review status: no assertion criteria provided. Collection method: clinical testing. Allele origin: germline. Affected: yes. Study: VKGL Data-share Consensus. Not counted in ClinVar's aggregate classification.

Genome Diagnostics Laboratory, Amsterdam University Medical Center
Classification: Benign. Review status: no assertion criteria provided. Collection method: clinical testing. Allele origin: germline. Affected: yes. Study: VKGL Data-share Consensus. Not counted in ClinVar's aggregate classification.

Joint Genome Diagnostic Labs from Nijmegen and Maastricht, Radboudumc and MUMC+
Classification: Benign. Review status: no assertion criteria provided. Collection method: clinical testing. Allele origin: germline. Affected: yes. Study: VKGL Data-share Consensus. Not counted in ClinVar's aggregate classification.

NM_001844.5(COL2A1):c.762+15G>A

Gene: COL2A1 (collagen type II alpha 1 chain; minus strand). Cytogenetic location: 12q13.11.
Variant type: single nucleotide variant.
Coding change: c.762+15G>A on transcript NM_001844.5 (MANE Select); 15 bases into the intron after coding-DNA position 762, G replaced by A.
Molecular consequence: intron variant.
Genome position (GRCh38, 1-based): chr12:47,995,240, C>T on the plus strand (G>A on the coding strand, the complement: COL2A1 is on the minus strand). VCF-style: chr12-47995240-C-T. GRCh37 (hg19) VCF-style: chr12-48389023-C-T.
Other names: p.?; c.555+15G>A (NM_033150.3).
Identifiers: ClinVar variation 258244 (VCV000258244.25), dbSNP rs10875716, ClinGen allele CA6535809.